The following is an entry in ClinVar:

ClinVar aggregate classification (germline): Uncertain significance (1 of 4 stars; one submission).

gnomAD v4.1: 1 of 1,582,494 alleles (0.000063%); highest among the groups gnomAD compares: Non-Finnish European, 0.000086%; no homozygotes.

Submission:

GeneDx
Classification: Uncertain significance. Last evaluated: 2024-08-28. Review status: criteria provided, single submitter. Criteria: GeneDx Variant Classification Process June 2021. Collection method: clinical testing. Allele origin: germline. Affected: yes.
Comment: In silico analysis indicates that this missense variant does not alter protein structure/function; Has not been previously published as pathogenic or benign to our knowledge

NM_001961.4(EEF2):c.2392G>A (p.Ala798Thr)

Gene: EEF2 (eukaryotic translation elongation factor 2; minus strand). Cytogenetic location: 19p13.3.
Variant type: single nucleotide variant.
Coding change: c.2392G>A on transcript NM_001961.4 (MANE Select); coding-DNA position 2392, G replaced by A.
Protein change: p.Ala798Thr; replaces alanine 798 with threonine.
Molecular consequence: missense variant.
Genome position (GRCh38, 1-based): chr19:3,976,739, C>T on the plus strand (G>A on the coding strand, the complement: EEF2 is on the minus strand). VCF-style: chr19-3976739-C-T. GRCh37 (hg19) VCF-style: chr19-3976737-C-T.
Other names: short protein forms A798T.
Identifiers: ClinVar variation 3766377 (VCV003766377.1).